The following is an entry in ClinVar:

NM_001378183.1(PIEZO2):c.7602C>T (p.Leu2534=)

Gene: PIEZO2 (piezo type mechanosensitive ion channel component 2; minus strand). Cytogenetic location: 18p11.22.
Variant type: single nucleotide variant.
Coding change: c.7602C>T on transcript NM_001378183.1 (MANE Select); coding-DNA position 7602, C replaced by T.
Protein change: p.Leu2534=; no amino-acid change (leucine 2534 retained).
Molecular consequence: synonymous variant.
Genome position (GRCh38, 1-based): chr18:10,682,188, G>A on the plus strand (C>T on the coding strand, the complement: PIEZO2 is on the minus strand). VCF-style: chr18-10682188-G-A. GRCh37 (hg19) VCF-style: chr18-10682185-G-A.
Other names: c.7338C>T, p.Leu2446= (NM_001410871.1); c.7263C>T, p.Leu2421= (NM_022068.4).
Identifiers: ClinVar variation 4085279 (VCV004085279.8).

ClinVar aggregate classification (germline): Likely benign (1 of 4 stars; one submission).

gnomAD v4.1: 4 of 1,537,118 alleles (0.00026%); highest among the groups gnomAD compares: African/African-American, 0.0027%; no homozygotes.

Submission:

CeGaT Center for Human Genetics Tuebingen
Classification: Likely benign. Last evaluated: 2025-07-01. Review status: criteria provided, single submitter. Criteria: CeGaT Center For Human Genetics Tuebingen Variant Classification Criteria Version 2. Collection method: clinical testing. Allele origin: germline. Affected: yes. Observed: 1 variant allele.
Comment: PIEZO2: BP4, BP7